The following is an entry in ClinVar:

Conditions:
Long QT syndrome 5 (LQT5). Identifiers: Orphanet 101016, Orphanet 768, MedGen C1867904, MONDO:0013372, OMIM 613695.

Submission:

Roden Lab, Vanderbilt University Medical Center
No classification provided (evidence only). Condition: Long QT syndrome 5. Review status: no classification provided. Collection method: in vitro. Allele origin: not applicable. Functional consequence: Effect on ion channel function.
ClinVar note: "not provided" was previously submitted as the classification for the variant. However, the classification appeared to be based only on an observation of functional data so it was converted to no classification on 2025-07-30.

NM_000219.6(KCNE1):c.87C>T (p.Gly29=)

Gene: KCNE1 (potassium voltage-gated channel subfamily E regulatory subunit 1; minus strand). Cytogenetic location: 21q22.12.
Variant type: single nucleotide variant.
Coding change: c.87C>T on transcript NM_000219.6 (MANE Select); coding-DNA position 87, C replaced by T.
Protein change: p.Gly29=; no amino-acid change (glycine 29 retained).
Molecular consequence: synonymous variant.
Genome position (GRCh38, 1-based): chr21:34,449,548, G>A on the plus strand (C>T on the coding strand, the complement: KCNE1 is on the minus strand). VCF-style: chr21-34449548-G-A. GRCh37 (hg19) VCF-style: chr21-35821846-G-A.
Other names: c.87C>T, p.Gly29= (NM_001127668.4, NM_001127669.4, NM_001127670.4 and 4 more transcripts).
Identifiers: ClinVar variation 3374012 (VCV003374012.2).